The following is an entry in ClinVar:

NM_030665.4(RAI1):c.2538del (p.Thr847fs)

Gene: RAI1 (retinoic acid induced 1; plus strand). Cytogenetic location: 17p11.2.
Variant type: Deletion.
Coding change: c.2538del on transcript NM_030665.4 (MANE Select); coding-DNA position 2538, one base deleted (C; older notation c.2538delC).
Protein change: p.Thr847fs; shifts the reading frame from threonine 847.
Molecular consequence: frameshift variant.
Genome position (GRCh38, 1-based): chr17:17,795,486, C deleted; the last of 2 consecutive C bases (chr17:17,795,485-17,795,486); deleting either gives the same sequence. VCF-style (leftmost placement, unchanged base first): chr17-17795484-TC-T. GRCh37 (hg19) VCF-style: chr17-17698798-TC-T.
Other names: short protein forms T847fs.
Identifiers: ClinVar variation 817929 (VCV000817929.1), dbSNP rs1598090354, ClinGen allele CA915949617.
Genomic context (GRCh38, chr17:17,795,484, plus strand): 5'-CTGCAGTGCCCCGAGGTGGCCAAGGCTGACCGGTGGCTGGAGGACAGCCGGCACTGCTGT[TC>T]CACCGCCGACTTCGGGGACCTCCCACTGCTGCCACCCACCAGCAGGAAGGAGGACCTGGA-3'

ClinVar aggregate classification (germline): Pathogenic (1 of 4 stars; one submission).

Submission:

GeneDx
Classification: Pathogenic. Last evaluated: 2018-12-14. Review status: criteria provided, single submitter. Criteria: GeneDx Variant Classification (06012015). Collection method: clinical testing. Allele origin: germline. Affected: yes.
Comment: The c.2538delC variant in the RAI1 gene has not been published as a pathogenic variant, nor has it been reported as a benign variant to our knowledge. The c.2538delC variant causes a frameshift starting with codon Threonine 847, changes this amino acid to a Proline residue and creates a premature Stop codon at position 103 of the new reading frame, denoted p.Thr847ProfsX103. This pathogenic variant is predicted to cause loss of normal protein function either through protein truncation or nonsense-mediated mRNA decay. The c.2538delC variant is not observed in large population cohorts (Lek et al., 2016). Therefore, the c.2538delC variant is considered a pathogenic variant.